The following is an entry in ClinVar:

ClinVar aggregate classification (germline): Likely benign. Review status: criteria provided, single submitter (1 of 4 stars). 2 submissions from 2 submitters: Likely benign (1). 1 of the submissions does not count toward it. Last evaluated 2026-01-11.

Conditions:
Bardet-Biedl syndrome (BBS). Identifiers: Orphanet 110, MedGen C0752166, MONDO:0015229.
BBS1-related disorder. Also called: BBS1-related condition.

Allele frequency attached by ClinVar (database versions not stated): gnomAD exomes below 0.00001.
gnomAD v4.1: 1 of 1,613,368 alleles (0.000062%); highest among the groups gnomAD compares: Non-Finnish European, 0.000085%; no homozygotes.

Submissions (2):

Labcorp Genetics (formerly Invitae), Labcorp
Classification: Likely benign for Bardet-Biedl syndrome. Last evaluated: 2026-01-11. Review status: criteria provided, single submitter. Criteria: Invitae Variant Classification Sherloc (09022015). Collection method: clinical testing. Allele origin: germline.

PreventionGenetics, part of Exact Sciences
Classification: Likely benign for BBS1-related condition. Last evaluated: 2020-09-11. Review status: no assertion criteria provided. Collection method: clinical testing. Allele origin: germline. Not counted in ClinVar's aggregate classification.
Comment: This variant is classified as likely benign based on ACMG/AMP sequence variant interpretation guidelines (Richards et al. 2015 PMID: 25741868, with internal and published modifications).

NM_024649.5(BBS1):c.1008G>A (p.Leu336=)

Genes: BBS1 (Bardet-Biedl syndrome 1; plus strand), ZDHHC24 (zDHHC palmitoyltransferase 24; minus strand). Cytogenetic location: 11q13.2.
Variant type: single nucleotide variant.
Coding change: c.1008G>A on transcript NM_024649.5 (MANE Select); coding-DNA position 1008, G replaced by A.
Protein change: p.Leu336=; no amino-acid change (leucine 336 retained).
Molecular consequence: synonymous variant. On other transcripts: intron variant (1).
Genome position (GRCh38, 1-based): chr11:66,523,780, G>A. VCF-style: chr11-66523780-G-A. GRCh37 (hg19) VCF-style: chr11-66291251-G-A.
Other names: c.*22-2314C>T (NM_001348571.2).
Identifiers: ClinVar variation 2795501 (VCV002795501.4), dbSNP rs2495779535, ClinGen allele CA475492087.